The following is an entry in ClinVar:

ClinVar aggregate classification (germline): Likely benign (0 of 4 stars; one submission).

Conditions:
PKD1L1-related disorder. Also called: PKD1L1-related condition.

gnomAD v4.1: 15 of 1,613,586 alleles (0.00093%); highest among the groups gnomAD compares: South Asian, 0.015%; no homozygotes.

Submission:

PreventionGenetics, part of Exact Sciences
Classification: Likely benign for PKD1L1-related condition. Last evaluated: 2024-07-05. Review status: no assertion criteria provided. Collection method: clinical testing. Allele origin: germline.
Comment: This variant is classified as likely benign based on ACMG/AMP sequence variant interpretation guidelines (Richards et al. 2015 PMID: 25741868, with internal and published modifications).

NM_138295.5(PKD1L1):c.3186C>T (p.Ser1062=)

Gene: PKD1L1 (polycystin 1 like 1, transient receptor potential channel interacting; minus strand). Cytogenetic location: 7p12.3.
Variant type: single nucleotide variant.
Coding change: c.3186C>T on transcript NM_138295.5 (MANE Select); coding-DNA position 3186, C replaced by T.
Protein change: p.Ser1062=; no amino-acid change (serine 1062 retained).
Molecular consequence: synonymous variant.
Genome position (GRCh38, 1-based): chr7:47,885,705, G>A on the plus strand (C>T on the coding strand, the complement: PKD1L1 is on the minus strand). VCF-style: chr7-47885705-G-A. GRCh37 (hg19) VCF-style: chr7-47925303-G-A.
Identifiers: ClinVar variation 3354125 (VCV003354125.1).